The following is an entry in ClinVar:

NM_000179.3(MSH6):c.803A>C (p.Asp268Ala)

Gene: MSH6 (mutS homolog 6; plus strand). Cytogenetic location: 2p16.3.
Variant type: single nucleotide variant.
Coding change: c.803A>C on transcript NM_000179.3 (MANE Select); coding-DNA position 803, A replaced by C.
Protein change: p.Asp268Ala; replaces aspartic acid 268 with alanine.
Molecular consequence: missense variant. On other transcripts: 5 prime UTR variant (2).
Genome position (GRCh38, 1-based): chr2:47,798,786, A>C. VCF-style: chr2-47798786-A-C. GRCh37 (hg19) VCF-style: chr2-48025925-A-C.
Other names: c.413A>C, p.Asp138Ala (NM_001281492.2); c.-104A>C (NM_001281493.2, NM_001281494.2); short protein forms D138A, D268A.
Identifiers: ClinVar variation 1525494 (VCV001525494.10), dbSNP rs2104298516, ClinGen allele CA346740341.

ClinVar aggregate classification (germline): Uncertain significance. Review status: criteria provided, multiple submitters, no conflicts (2 of 4 stars). 2 submissions from 2 submitters: Uncertain significance (2). Last evaluated 2024-09-25.

Conditions:
Hereditary nonpolyposis colorectal neoplasms. Identifiers: MedGen C0009405, MeSH D003123.
Hereditary cancer-predisposing syndrome. Also called: Neoplastic Syndromes, Hereditary; Hereditary Cancer Syndrome; Tumor predisposition; Hereditary neoplastic syndrome. Identifiers: Orphanet 140162, MedGen C0027672, MeSH D009386, MONDO:0015356.

Submissions (2):

Labcorp Genetics (formerly Invitae), Labcorp
Classification: Uncertain significance for Hereditary nonpolyposis colorectal neoplasms. Last evaluated: 2024-09-25. Review status: criteria provided, single submitter. Criteria: Invitae Variant Classification Sherloc (09022015). Collection method: clinical testing. Allele origin: germline.
Comment: This sequence change replaces aspartic acid, which is acidic and polar, with alanine, which is neutral and non-polar, at codon 268 of the MSH6 protein (p.Asp268Ala). This variant is not present in population databases (gnomAD no frequency). This variant has not been reported in the literature in individuals affected with MSH6-related conditions. ClinVar contains an entry for this variant (Variation ID: 1525494). Invitae Evidence Modeling of protein sequence and biophysical properties (such as structural, functional, and spatial information, amino acid conservation, physicochemical variation, residue mobility, and thermodynamic stability) indicates that this missense variant is not expected to disrupt MSH6 protein function with a negative predictive value of 95%. In summary, the available evidence is currently insufficient to determine the role of this variant in disease. Therefore, it has been classified as a Variant of Uncertain Significance.

Ambry Genetics
Classification: Uncertain significance for Hereditary cancer-predisposing syndrome. Last evaluated: 2022-06-07. Review status: criteria provided, single submitter. Criteria: Ambry Variant Classification Scheme 2023. Collection method: clinical testing. Allele origin: germline.
Comment: The p.D268A variant (also known as c.803A>C), located in coding exon 4 of the MSH6 gene, results from an A to C substitution at nucleotide position 803. The aspartic acid at codon 268 is replaced by alanine, an amino acid with dissimilar properties. This amino acid position is well conserved in available vertebrate species. In addition, the in silico prediction for this alteration is inconclusive. Since supporting evidence is limited at this time, the clinical significance of this alteration remains unclear.